The following is an entry in ClinVar:

ClinVar aggregate classification (germline): Conflicting classifications of pathogenicity. Review status: criteria provided, conflicting classifications (1 of 4 stars). 4 submissions from 4 submitters: Uncertain significance (1); Likely benign (3). Last evaluated 2025-07-01.

Allele frequency attached by ClinVar (database versions not stated): 1000 Genomes Project 0.00020; gnomAD 0.00025 and 0.00026; TOPMed 0.00026; gnomAD exomes 0.00030 and 0.00053; 1000 Genomes Project 30x 0.00031; ESP Exome Variant Server 0.00031; ExAC 0.00107.
gnomAD v4.1: 761 of 1,530,440 alleles (0.05%); highest among the groups gnomAD compares: Non-Finnish European, 0.063%; no homozygotes.

Submissions (4):

CeGaT Center for Human Genetics Tuebingen
Classification: Likely benign. Last evaluated: 2025-07-01. Review status: criteria provided, single submitter. Criteria: CeGaT Center For Human Genetics Tuebingen Variant Classification Criteria Version 2. Collection method: clinical testing. Allele origin: germline. Affected: yes. Observed: 1 variant allele.
Comment: CTBP1: PP3, BS2

Labcorp Genetics (formerly Invitae), Labcorp
Classification: Likely benign. Last evaluated: 2025-02-11. Review status: criteria provided, single submitter. Criteria: Invitae Variant Classification Sherloc (09022015). Collection method: clinical testing. Allele origin: germline.

Blueprint Genetics
Classification: Likely benign. Last evaluated: 2024-10-10. Review status: criteria provided, single submitter. Criteria: ACMG Guidelines, 2015. Collection method: clinical testing. Allele origin: germline.

Mayo Clinic Laboratories, Mayo Clinic
Classification: Uncertain significance. Last evaluated: 2023-07-07. Review status: criteria provided, single submitter. Criteria: ACMG Guidelines, 2015. Collection method: clinical testing. Allele origin: germline. Observed: 1 variant allele.
Comment: BS2

NM_001012614.2(CTBP1):c.1229C>T (p.Pro410Leu)

Genes: CTBP1 (C-terminal binding protein 1; minus strand), CTBP1-AS (CTBP1 antisense RNA; plus strand). Cytogenetic location: 4p16.3.
Variant type: single nucleotide variant.
Coding change: c.1229C>T on transcript NM_001012614.2 (MANE Select); coding-DNA position 1229, C replaced by T.
Protein change: p.Pro410Leu; replaces proline 410 with leucine.
Molecular consequence: missense variant. On other transcripts: non-coding transcript variant (1).
Genome position (GRCh38, 1-based): chr4:1,212,301, G>A on the plus strand (C>T on the coding strand, the complement: CTBP1 is on the minus strand). VCF-style: chr4-1212301-G-A. GRCh37 (hg19) VCF-style: chr4-1206089-G-A.
Other names: p.Pro421Leu; c.1262C>T, p.Pro421Leu (NM_001328.3); c.1265C>T, p.Pro422Leu (NM_001377186.1); c.1232C>T, p.Pro411Leu (NM_001377187.1, NM_001377188.1, NM_001377189.1 and 1 more transcripts); c.1229C>T, p.Pro410Leu (NM_001377191.1, NM_001377192.1, NM_001377193.1); short protein forms P410L, P411L, P421L, P422L.
Identifiers: ClinVar variation 1534224 (VCV001534224.18), dbSNP rs199614101, ClinGen allele CA2804149.